The following is an entry in ClinVar:

NM_004646.4(NPHS1):c.1379G>A (p.Arg460Gln)

Gene: NPHS1 (NPHS1 adhesion molecule, nephrin; minus strand). Cytogenetic location: 19q13.12.
Variant type: single nucleotide variant.
Coding change: c.1379G>A on transcript NM_004646.4 (MANE Select); coding-DNA position 1379, G replaced by A.
Protein change: p.Arg460Gln; replaces arginine 460 with glutamine.
Molecular consequence: missense variant.
Genome position (GRCh38, 1-based): chr19:35,848,102, C>T on the plus strand (G>A on the coding strand, the complement: NPHS1 is on the minus strand). VCF-style: chr19-35848102-C-T. GRCh37 (hg19) VCF-style: chr19-36339004-C-T.
Other names: short protein forms R460Q.
Identifiers: ClinVar variation 56438 (VCV000056438.58), dbSNP rs386833880, ClinGen allele CA250119.

ClinVar aggregate classification (germline): Pathogenic/Likely pathogenic. Review status: criteria provided, multiple submitters, no conflicts (2 of 4 stars). 17 submissions from 17 submitters: Pathogenic (11); Likely pathogenic (3). 3 of the submissions do not count toward it. Last evaluated 2025-11-26.

Conditions:
Kidney disorder. Also called: Kidney disease; Kidney Diseases; renal disorder; renal disease; Nephropathy. Identifiers: MedGen C0022658, MONDO:0005240, HP:0000112.
NPHS1-related disorder. Also called: NPHS1-related condition.
Nephrotic syndrome. Identifiers: MedGen C0027726, MONDO:0005377, HP:0000100.
Finnish congenital nephrotic syndrome (NPHS1). Also called: NEPHROTIC SYNDROME, TYPE 1. Identifiers: Orphanet 839, MedGen C0403399, MONDO:0009732, OMIM 256300.

Allele frequency attached by ClinVar (database versions not stated): gnomAD 0.00002; TOPMed 0.00002; ExAC 0.00001.
gnomAD v4.1: 28 of 1,613,948 alleles (0.0017%); highest among the groups gnomAD compares: Middle Eastern, 0.016%; no homozygotes.

Submissions (17):

Natera, Inc.
Classification: Pathogenic for Finnish congenital nephrotic syndrome. Last evaluated: 2025-11-26. Review status: criteria provided, single submitter. Criteria: Natera Variant Classification Schema (03/2026). Collection method: clinical testing. Allele origin: germline.
Comment: The c.1379G>A variant in NPHS1 is a missense variant predicted to cause substitution of arginine to glutamine at amino acid 460. This variant is rare in the general population with a frequency below the threshold expected for the associated phenotype(s). This variant has been observed in one or more individuals affected with the associated recessive disease, as either homozygous or compound heterozygous with a second variant (PMID: 37204080, 31937884). Computational prediction algorithms indicate this variant is likely to affect gene or protein function. Given the available evidence, this variant is classified as Pathogenic.

Labcorp Genetics (formerly Invitae), Labcorp
Classification: Pathogenic. Last evaluated: 2025-10-03. Review status: criteria provided, single submitter. Criteria: Invitae Variant Classification Sherloc (09022015). Collection method: clinical testing. Allele origin: germline.
Comment: This sequence change replaces arginine, which is basic and polar, with glutamine, which is neutral and polar, at codon 460 of the NPHS1 protein (p.Arg460Gln). This variant is present in population databases (rs386833880, gnomAD 0.003%). This missense change has been observed in individual(s) with nephrotic syndrome (PMID: 19194555, 21125408, 21415313, 30655312). In at least one individual the data is consistent with being in trans (on the opposite chromosome) from a pathogenic variant. ClinVar contains an entry for this variant (Variation ID: 56438). An algorithm developed to predict the effect of missense changes on protein structure and function outputs the following: PolyPhen-2: "Benign". The glutamine amino acid residue is found in multiple mammalian species, which suggests that this missense change does not adversely affect protein function. Algorithms developed to predict the effect of sequence changes on RNA splicing suggest that this variant may disrupt the consensus splice site. For these reasons, this variant has been classified as Pathogenic.

Genomic Medicine Center of Excellence, King Faisal Specialist Hospital and Research Centre
Classification: Likely pathogenic for Finnish congenital nephrotic syndrome. Last evaluated: 2025-09-10. Review status: criteria provided, single submitter. Criteria: ACMG Guidelines, 2015. Collection method: clinical testing. Allele origin: germline.

PreventionGenetics, part of Exact Sciences
Classification: Pathogenic for NPHS1-related condition. Last evaluated: 2024-11-07. Review status: criteria provided, single submitter. Criteria: ACMG Guidelines, 2015. Collection method: clinical testing. Allele origin: germline.
Comment: The NPHS1 c.1379G>A variant is predicted to result in the amino acid substitution p.Arg460Gln. This variant has been reported in multiple individuals with nephrotic syndrome (see for example: Table S9, Warejko et al. 2017. PubMed ID: 29127259; Table S2, Park et al. 2020. PubMed ID: 32604935; Table S1, Machuca et al. 2010. PubMed ID: 20507940; Schoeb et al. 2010. PubMed ID: 20172850; Philippe et al. 2008. PubMed ID: 18614772; Mbarek et al. 2010. PubMed ID: 21125408; Heeringa et al. 2008. PubMed ID: 18503012; Sako et al. 2005. PubMed ID: 15780077; Koziell et al. 2002. PubMed ID: 11854170). This variant is reported in 0.0029% of alleles in individuals of Latino descent in gnomAD. This variant is interpreted as pathogenic.

3billion
Classification: Pathogenic for Finnish congenital nephrotic syndrome. Last evaluated: 2024-07-03. Review status: criteria provided, single submitter. Criteria: ACMG Guidelines, 2015. Collection method: clinical testing. Allele origin: germline. Affected: yes.
Comment: The variant is observed at an extremely low frequency in the gnomAD v4.0.0 dataset (total allele frequency: 0.002%). Predicted Consequence/Location: Missense variant In silico tools predict the variant to alter splicing and produce an abnormal transcript [SpliceAI: 0.46 (>=0.2, moderate evidence for spliceogenicity)]. The same nucleotide change resulting in the same amino acid change has been previously reported as pathogenic/likely pathogenic with strong evidence (ClinVar ID: VCV000056438 /PMID: 11317351 /3billion dataset). The variant has been reported to be in trans with a pathogenic variant as either compound heterozygous or homozygous in at least 2 similarly affected unrelated individuals (PMID: 19194555, 21125408, 30655312). Therefore, this variant is classified as Pathogenic according to the recommendation of ACMG/AMP guideline.

Blueprint Genetics
Classification: Pathogenic for NPHS1-related disorders. Last evaluated: 2024-06-17. Review status: criteria provided, single submitter. Criteria: ACMG Guidelines, 2015. Collection method: clinical testing. Allele origin: germline. Affected: yes. Observed: 5 variant alleles.

Fulgent Genetics
Classification: Pathogenic for Finnish congenital nephrotic syndrome. Last evaluated: 2024-04-20. Review status: criteria provided, single submitter. Criteria: ACMG Guidelines, 2015. Collection method: clinical testing. Allele origin: germline.

Division of Human Genetics, National Health Laboratory Service/University of the Witwatersrand
Classification: Pathogenic for Finnish congenital nephrotic syndrome. Last evaluated: 2023-07-01. Review status: criteria provided, single submitter. Criteria: ACMG Guidelines, 2015. Collection method: research. Allele origin: germline. Affected: yes.

CeGaT Center for Human Genetics Tuebingen
Classification: Pathogenic. Last evaluated: 2022-11-01. Review status: criteria provided, single submitter. Criteria: CeGaT Center For Human Genetics Tuebingen Variant Classification Criteria Version 2. Collection method: clinical testing. Allele origin: germline. Affected: yes. Observed: 1 variant allele.
Comment: NPHS1: PM3:Very Strong, PM2, PS4:Moderate, PS3:Supporting, BP4

Vasylyeva lab, Texas Tech University Health Sciences Center
Classification: Pathogenic for Finnish congenital nephrotic syndrome. Last evaluated: 2022-01-03. Review status: criteria provided, single submitter. Criteria: ACMG Guidelines, 2015. Collection method: clinical testing. Allele origin: unknown. Affected: yes.

Genetics and Genomic Medicine Centre, NeuroGen Healthcare, NeuroGen Healthcare
Classification: Likely pathogenic for Finnish congenital nephrotic syndrome. Last evaluated: 2021-01-19. Review status: criteria provided, single submitter. Criteria: Submitter's publication. Collection method: clinical testing. Allele origin: unknown. Affected: no.

Women's Health and Genetics/Laboratory Corporation of America, LabCorp
Classification: Pathogenic for Finnish congenital nephrotic syndrome. Last evaluated: 2017-09-14. Review status: criteria provided, single submitter. Criteria: LabCorp Variant Classification Summary - May 2015. Collection method: clinical testing. Allele origin: germline.
Comment: Variant summary: The NPHS1 c.1379G>A (p.Arg460Gln) variant located in the Immunoglobulin-like fold domain (via InterPro) involves the alteration of a non-conserved nucleotide and 3/4 in silico tools predict a benign outcome for this variant (SNPsandGO not captured due to low reliability index). This variant was found in 2/215308 control chromosomes at a frequency of 0.0000093, which does not exceed the estimated maximal expected allele frequency of a pathogenic NPHS1 variant (0.0033541). Multiple publications have cited the variant in homozygous and compound heterozygous affected pts. A functional study, Philippe_2008 indicates that the variant was shown to traffic normally in the cell and to homodimerize and to heterodimerize with NEPH1, but they suggest that additional studies are needed to evaluate whether missense variants that traffic to the membrane affect nephrin phosphorylation, actin reorganization in the cytoskeleton of podocytes, or downstream signaling events involved in transcriptional regulation and apoptosis. In addition, multiple clinical diagnostic laboratories/reputable databases classified this variant as likely pathogenic. Taken together, this variant is classified as pathogenic.

Illumina Laboratory Services, Illumina
Classification: Pathogenic for Finnish congenital nephrotic syndrome. Last evaluated: 2017-07-20. Review status: criteria provided, single submitter. Criteria: ICSL Variant Classification Criteria 09 May 2019. Collection method: clinical testing. Allele origin: germline.
Comment: Across a selection of the available literature, the NPHS1 c.1379G>A (p.Arg460Gln) variant has been identified in at least 11 individuals with congenital Finnish nephrosis. Specifically, the p.Arg460Gln variant was reported in a homozygous state in six individuals, in a compound heterozygous state in three individuals, and in a heterozygous state in two individuals (Sako et al. 2005; Heeringa et al. 2008; Lee et al. 2009; Machuca et al. 2010; Schoeb et al. 2010). The p.Arg460Gln variant was also found in a heterozygous state in the unaffected mother of an affected heterozygote (Sako et al. 2005). Two of the compound heterozygotes have null variants on the second allele (Heeringa et al. 2008; Machuca et al. 2010). Control data are unavailable for this variant, which is reported at a frequency of 0.000183 in the Other population of the Genome Aggregation Database but this is based on one allele so the variant is presumed to be rare. Based on the evidence, the p.Arg460Gln variant is classified as pathogenic for congenital nephrotic syndrome. This variant was observed by ICSL as part of a predisposition screen in an ostensibly healthy population.

Genome Diagnostics Laboratory, The Hospital for Sick Children
Classification: Likely pathogenic for Kidney disorder. Last evaluated: 2016-12-12. Review status: criteria provided, single submitter. Criteria: ACMG Guidelines, 2015. Collection method: clinical testing. Allele origin: germline.

Yale Center for Mendelian Genomics, Yale University
Classification: Likely pathogenic for Nephrotic syndrome. Last evaluated: 2017-11-10. Review status: no assertion criteria provided. Collection method: literature only. Allele origin: germline. Affected: yes. Observed: 1 homozygote. Study: Yale Center for Mendelian Genomics. Not counted in ClinVar's aggregate classification.

Counsyl
Classification: Likely pathogenic for Finnish congenital nephrotic syndrome. Last evaluated: 2014-08-29. Review status: no assertion criteria provided. Collection method: literature only. Allele origin: unknown. Inheritance: Autosomal recessive inheritance. Not counted in ClinVar's aggregate classification.

Juha Muilu Group; Institute for Molecular Medicine Finland (FIMM)
Classification: Likely pathogenic for Finnish congenital nephrotic syndrome. Review status: no assertion criteria provided. Collection method: not provided. Allele origin: unknown. Not counted in ClinVar's aggregate classification.
Comment: FinDis database variant: This variant was not found or characterized by our laboratory, data were collected from public sources: see reference
ClinVar note: Converted during submission from probable-pathogenic to Likely pathogenic.

Literature cited by the submitters: PubMed 37204080 (cited by Natera, Inc.); PubMed 31937884 (cited by Natera, Inc.); PubMed 19194555 (cited by 5 submitters); PubMed 21125408 (cited by 3 submitters); PubMed 21415313 (cited by 3 submitters); PubMed 30655312 (cited by Labcorp Genetics (formerly Invitae), Labcorp and 3billion); PubMed 11317351 (cited by 3billion and Counsyl); PubMed 11854170 (cited by Women's Health and Genetics/Laboratory Corporation of America, LabCorp and Counsyl); PubMed 18614772 (cited by Women's Health and Genetics/Laboratory Corporation of America, LabCorp and Counsyl); PubMed 18503012 (cited by 3 submitters); PubMed 15780077 (cited by Illumina Laboratory Services, Illumina and Counsyl); PubMed 20172850 (cited by Illumina Laboratory Services, Illumina and Counsyl); PubMed 20507940 (cited by Illumina Laboratory Services, Illumina and Counsyl); PubMed 29127259 (cited by Yale Center for Mendelian Genomics, Yale University).